The following is an entry in ClinVar:

NM_177550.5(SLC13A5):c.232-2A>G

Gene: SLC13A5 (solute carrier family 13 member 5; minus strand). Cytogenetic location: 17p13.1.
Variant type: single nucleotide variant.
Coding change: c.232-2A>G on transcript NM_177550.5 (MANE Select); the canonical splice acceptor site of the intron before coding-DNA position 232, A replaced by G.
Molecular consequence: splice acceptor variant.
Genome position (GRCh38, 1-based): chr17:6,706,780, T>C on the plus strand (A>G on the coding strand, the complement: SLC13A5 is on the minus strand). VCF-style: chr17-6706780-T-C. GRCh37 (hg19) VCF-style: chr17-6610099-T-C.
Other names: c.103-2A>G (NM_001284510.2); c.232-2A>G (NM_001284509.2, NM_001143838.3).
Identifiers: ClinVar variation 933614 (VCV000933614.8), dbSNP rs1973878360, ClinGen allele CA397751197.

ClinVar aggregate classification (germline): Pathogenic (1 of 4 stars; one submission).

Conditions:
Developmental and epileptic encephalopathy, 25 (DEE25). Also called: Epileptic encephalopathy, early infantile, 25; Developmental and epileptic encephalopathy 25, with amelogenesis imperfecta; Epileptic encephalopathy, early infantile, 25, with amelogenesis imperfecta. Identifiers: Orphanet 442835, MedGen C4014621, MONDO:0014392, OMIM 615905.

Submission:

Labcorp Genetics (formerly Invitae), Labcorp
Classification: Pathogenic for Developmental and epileptic encephalopathy, 25. Last evaluated: 2025-06-09. Review status: criteria provided, single submitter. Criteria: Invitae Variant Classification Sherloc (09022015). Collection method: clinical testing. Allele origin: germline.
Comment: This sequence change affects an acceptor splice site in intron 2 of the SLC13A5 gene. It is expected to disrupt RNA splicing. Variants that disrupt the donor or acceptor splice site typically lead to a loss of protein function (PMID: 16199547), and loss-of-function variants in SLC13A5 are known to be pathogenic (PMID: 24995870, 26384929). This variant is not present in population databases (gnomAD no frequency). Disruption of this splice site has been observed in individual(s) with SLC13A5-related conditions (internal data). In at least one individual the data is consistent with being in trans (on the opposite chromosome) from a pathogenic variant. ClinVar contains an entry for this variant (Variation ID: 933614). Algorithms developed to predict the effect of sequence changes on RNA splicing suggest that this variant may disrupt the consensus splice site. For these reasons, this variant has been classified as Pathogenic.

Literature cited by the submitters: PubMed 16199547; PubMed 24995870; PubMed 26384929.